The following is an entry in ClinVar:

NM_001283009.2(RTEL1):c.3424G>C (p.Gly1142Arg)

Genes: RTEL1 (regulator of telomere elongation helicase 1; plus strand), RTEL1-TNFRSF6B (RTEL1-TNFRSF6B readthrough (NMD candidate); plus strand). Cytogenetic location: 20q13.33.
Variant type: single nucleotide variant.
Coding change: c.3424G>C on transcript NM_001283009.2 (MANE Select); coding-DNA position 3424, G replaced by C.
Protein change: p.Gly1142Arg; replaces glycine 1142 with arginine.
Molecular consequence: missense variant. On other transcripts: non-coding transcript variant (1).
Genome position (GRCh38, 1-based): chr20:63,695,146, G>C. VCF-style: chr20-63695146-G-C. GRCh37 (hg19) VCF-style: chr20-62326499-G-C.
Other names: c.2755G>C, p.Gly919Arg (NM_001283010.1); c.3424G>C, p.Gly1142Arg (NM_016434.4); c.3496G>C, p.Gly1166Arg (NM_032957.5); short protein forms G1166R, G919R, G1142R.
Identifiers: ClinVar variation 3436034 (VCV003436034.1).
Genomic context (GRCh38, chr20:63,695,146, plus strand): 5'-CCACACCACAAGCAGCGCTTCTCACAGACGTGCACAGACCTGACCGGCCGGCCCTACCCG[G>C]GCATGGAGCCACCGGGACCCCAGGAGGAGAGGCTTGCCGTGCCTCCTGTGCTTACCCACA-3'
Protein context (NP_001269938.1, residues 1132-1152): CTDLTGRPYP[Gly1142Arg]MEPPGPQEER

ClinVar aggregate classification (germline): Uncertain significance (1 of 4 stars; one submission).

Conditions:
Inborn genetic diseases. Identifiers: MedGen C0950123, MeSH D030342.

Submission:

Ambry Genetics
Classification: Uncertain significance for Inborn genetic diseases. Last evaluated: 2024-12-07. Review status: criteria provided, single submitter. Criteria: Ambry Variant Classification Scheme 2023. Collection method: clinical testing. Allele origin: germline.
Comment: The p.G1142R variant (also known as c.3424G>C), located in coding exon 32 of the RTEL1 gene, results from a G to C substitution at nucleotide position 3424. The glycine at codon 1142 is replaced by arginine, an amino acid with dissimilar properties. This amino acid position is conserved. In addition, the in silico prediction for this alteration is inconclusive. Based on the available evidence, the clinical significance of this variant remains unclear.